The following is an entry in ClinVar:

ClinVar aggregate classification (germline): Uncertain significance (1 of 4 stars; one submission).

Allele frequency attached by ClinVar (database versions not stated): gnomAD exomes below 0.00001.
gnomAD v4.1: 2 of 1,613,440 alleles (0.00012%); highest among the groups gnomAD compares: South Asian, 0.0022%; no homozygotes.

Submission:

Labcorp Genetics (formerly Invitae), Labcorp
Classification: Uncertain significance. Last evaluated: 2020-12-23. Review status: criteria provided, single submitter. Criteria: Invitae Variant Classification Sherloc (09022015). Collection method: clinical testing. Allele origin: germline.
Comment: In summary, the available evidence is currently insufficient to determine the role of this variant in disease. Therefore, it has been classified as a Variant of Uncertain Significance. Algorithms developed to predict the effect of missense changes on protein structure and function are either unavailable or do not agree on the potential impact of this missense change (SIFT: "Tolerated"; PolyPhen-2: "Possibly Damaging"; Align-GVGD: "Class C0"). This variant has not been reported in the literature in individuals with LAMC3-related conditions. This variant is not present in population databases (ExAC no frequency). This sequence change replaces glycine with aspartic acid at codon 1145 of the LAMC3 protein (p.Gly1145Asp). The glycine residue is weakly conserved and there is a moderate physicochemical difference between glycine and aspartic acid.

NM_006059.4(LAMC3):c.3434G>A (p.Gly1145Asp)

Gene: LAMC3 (laminin subunit gamma 3; plus strand). Cytogenetic location: 9q34.12.
Variant type: single nucleotide variant.
Coding change: c.3434G>A on transcript NM_006059.4 (MANE Select); coding-DNA position 3434, G replaced by A.
Protein change: p.Gly1145Asp; replaces glycine 1145 with aspartic acid.
Molecular consequence: missense variant.
Genome position (GRCh38, 1-based): chr9:131,073,261, G>A. VCF-style: chr9-131073261-G-A. GRCh37 (hg19) VCF-style: chr9-133948648-G-A.
Other names: short protein forms G1145D.
Identifiers: ClinVar variation 1511104 (VCV001511104.8), dbSNP rs1489211571, ClinGen allele CA375259699.